The following is an entry in ClinVar:

ClinVar aggregate classification (germline): Uncertain significance (1 of 4 stars; one submission).

Submission:

Labcorp Genetics (formerly Invitae), Labcorp
Classification: Uncertain significance. Last evaluated: 2025-07-23. Review status: criteria provided, single submitter. Criteria: Invitae Variant Classification Sherloc (09022015). Collection method: clinical testing. Allele origin: germline.
Comment: This sequence change replaces proline, which is neutral and non-polar, with alanine, which is neutral and non-polar, at codon 257 of the OPHN1 protein (p.Pro257Ala). This variant is not present in population databases (gnomAD no frequency). This variant has not been reported in the literature in individuals affected with OPHN1-related conditions. ClinVar contains an entry for this variant (Variation ID: 3725039). An algorithm developed to predict the effect of missense changes on protein structure and function (PolyPhen-2) suggests that this variant is likely to be tolerated. In summary, the available evidence is currently insufficient to determine the role of this variant in disease. Therefore, it has been classified as a Variant of Uncertain Significance.

NM_002547.3(OPHN1):c.769C>G (p.Pro257Ala)

Gene: OPHN1 (oligophrenin 1; minus strand). Cytogenetic location: Xq12.
Variant type: single nucleotide variant.
Coding change: c.769C>G on transcript NM_002547.3 (MANE Select); coding-DNA position 769, C replaced by G.
Protein change: p.Pro257Ala; replaces proline 257 with alanine.
Molecular consequence: missense variant.
Genome position (GRCh38, 1-based): chrX:68,210,216, G>C on the plus strand (C>G on the coding strand, the complement: OPHN1 is on the minus strand). VCF-style: chrX-68210216-G-C. GRCh37 (hg19) VCF-style: chrX-67430058-G-C.
Other names: short protein forms P257A.
Identifiers: ClinVar variation 3725039 (VCV003725039.2).
Genomic context (GRCh38, chrX:68,210,216, plus strand): 5'-TCTCTTGTGTATAGAGATAGCCTTCAATAGTTGGCTGTCCTGGAAGTTTGCATGTCTGGG[G>C]AGCTTCTTTCATCCTTTTCTTAAGTTCTTCCATCTCTTCCCGGGTACTGGAGAAATGATT-3'
Protein context (NP_002538.1, residues 247-267): EELKKRMKEA[Pro257Ala]QTCKLPGQPT